The following is an entry in ClinVar:

NC_000002.11:g.(?_203384790)_(203421274_?)del

Gene: BMPR2 (bone morphogenetic protein receptor type 2; plus strand). Cytogenetic location: 2q33.2.
Variant type: Deletion.
Identifiers: ClinVar variation 2423970 (VCV002423970.4).

ClinVar aggregate classification (germline): Pathogenic (1 of 4 stars; one submission).

Conditions:
Primary pulmonary hypertension. Also called: Idiopathic pulmonary hypertension. Identifiers: MedGen C0152171.

Submission:

Labcorp Genetics (formerly Invitae), Labcorp
Classification: Pathogenic for Primary pulmonary hypertension. Last evaluated: 2022-07-17. Review status: criteria provided, single submitter. Criteria: Invitae Variant Classification Sherloc (09022015). Collection method: clinical testing. Allele origin: germline.
Comment: For these reasons, this variant has been classified as Pathogenic. This variant disrupts a region of the BMPR2 protein in which other variant(s) (p.Cys420Tyr) have been determined to be pathogenic (PMID: 15146475, 21737554, 21801371, 27453251; Invitae). This suggests that this is a clinically significant region of the protein, and that variants that disrupt it are likely to be disease-causing. This variant has not been reported in the literature in individuals affected with BMPR2-related conditions. This variant is a gross deletion of the genomic region encompassing exon(s) 7-12 of the BMPR2 gene. While this deletion is not anticipated to lead to nonsense mediated decay, it is expected to disrupt the C-terminus of the protein.

Literature cited by the submitters: PubMed 15146475; PubMed 21737554; PubMed 21801371; PubMed 27453251.